The following is an entry in ClinVar:

ClinVar aggregate classification (germline): Likely pathogenic (1 of 4 stars; one submission).

Allele frequency attached by ClinVar (database versions not stated): ExAC 0.00001; gnomAD 0.00001; gnomAD exomes 0.00001.

Submissions (2):

GeneDx
Classification: Likely pathogenic. Last evaluated: 2019-05-30. Review status: criteria provided, single submitter. Criteria: GeneDx Variant Classification Process June 2021. Collection method: clinical testing. Allele origin: germline. Affected: yes.
Comment: Deletion of the canonical splice acceptor site in intron 13 in STRA6 predicted to alter gene splicing; loss-of-function is a known mechanism of disease for STRA6; Not observed at a significant frequency in large population cohorts (Lek et al., 2016); Has not been previously published as pathogenic or benign to our knowledge

Dr. Peter K. Rogan Lab, Western University
No classification provided (evidence only). Condition: Malignant tumor of esophagus. Review status: no classification provided. Collection method: in vitro. Allele origin: not applicable. Functional consequence: retained intron. Not counted in ClinVar's aggregate classification.

NM_022369.4(STRA6):c.1167-2_1167-1del

Gene: STRA6 (signaling receptor and transporter of retinol STRA6; minus strand). Cytogenetic location: 15q24.1.
Variant type: Deletion.
Coding change: c.1167-2_1167-1del on transcript NM_022369.4 (MANE Select); the canonical splice acceptor site of the intron before coding-DNA position 1167, 2 bases deleted (AG; older notation c.1167-2_1167-1delAG).
Molecular consequence: splice acceptor variant.
Genome position (GRCh38, 1-based): chr15:74,183,990-74,183,991, CT deleted on the plus strand (AG on the coding strand, the reverse complement: STRA6 is on the minus strand). VCF-style (leftmost placement, unchanged base first): chr15-74183989-CCT-C. GRCh37 (hg19) VCF-style: chr15-74476330-CCT-C.
Other names: NC_000015.9:g.74476331_74476332del; c.1278-2_1278-1del (NM_001199040.2); c.1140-2_1140-1del (NM_001142619.2); c.1167-2_1167-1del (NM_001142617.2, NM_001142618.2); c.1212-2_1212-1del (NM_001199041.2); c.1284-2_1284-1del (NM_001199042.2).
Identifiers: ClinVar variation 1328571 (VCV001328571.3), dbSNP rs770136705, ClinGen allele CA7654655.